The following is an entry in ClinVar:

ClinVar aggregate classification (germline): Uncertain significance. Review status: criteria provided, multiple submitters, no conflicts (2 of 4 stars). 2 submissions from 2 submitters: Uncertain significance (2). Last evaluated 2024-11-17.

Conditions:
Pancreatic cancer, susceptibility to, 1. Identifiers: Orphanet 1333, MedGen C1847351, MONDO:0011739, OMIM 606856.

Allele frequency attached by ClinVar (database versions not stated): ExAC 0.00002; TOPMed 0.00003; gnomAD 0.00004; ESP Exome Variant Server 0.00015.
gnomAD v4.1: 9 of 1,607,130 alleles (0.00056%); highest among the groups gnomAD compares: Middle Eastern, 0.016%; no homozygotes.

Submissions (2):

Ambry Genetics
Classification: Uncertain significance. Last evaluated: 2024-11-17. Review status: criteria provided, single submitter. Criteria: Ambry Variant Classification Scheme 2023. Collection method: clinical testing. Allele origin: germline.
Comment: The p.H422Q variant (also known as c.1266C>G), located in coding exon 5 of the PALLD gene, results from a C to G substitution at nucleotide position 1266. The histidine at codon 422 is replaced by glutamine, an amino acid with highly similar properties. This amino acid position is conserved. In addition, this alteration is predicted to be tolerated by in silico analysis. Since supporting evidence is limited at this time, the clinical significance of this alteration remains unclear.

Fulgent Genetics
Classification: Uncertain significance for Pancreatic cancer, susceptibility to, 1. Last evaluated: 2024-02-28. Review status: criteria provided, single submitter. Criteria: ACMG Guidelines, 2015. Collection method: clinical testing. Allele origin: germline.

NM_001166108.2(PALLD):c.1266C>G (p.His422Gln)

Gene: PALLD (palladin, cytoskeletal associated protein; plus strand). Cytogenetic location: 4q32.3.
Variant type: single nucleotide variant.
Coding change: c.1266C>G on transcript NM_001166108.2 (MANE Select); coding-DNA position 1266, C replaced by G.
Protein change: p.His422Gln; replaces histidine 422 with glutamine.
Molecular consequence: missense variant.
Genome position (GRCh38, 1-based): chr4:168,685,490, C>G. VCF-style: chr4-168685490-C-G. GRCh37 (hg19) VCF-style: chr4-169606641-C-G.
Other names: c.120C>G, p.His40Gln (NM_001166109.2); c.1266C>G, p.His422Gln (NM_016081.4); short protein forms H40Q, H422Q.
Identifiers: ClinVar variation 1764181 (VCV001764181.4), dbSNP rs147159943, ClinGen allele CA3135564.
Genomic context (GRCh38, chr4:168,685,490, plus strand): 5'-TCTTTTAGGCAATTTATATATTTAGAATTTGATCCATATGTCTCTGCTTTTGCAGGTTCA[C>G]AGTCCAACTTCATATCTCTGCCGACCTGATGGAACCACTACTGCCTACTTTCCTCCTGTT-3'
Protein context (NP_001159580.1, residues 412-432): QPLSVPVQQV[His422Gln]SPTSYLCRPD